The following is an entry in ClinVar:

NM_001261826.3(AP3D1):c.3472G>C (p.Val1158Leu)

Gene: AP3D1 (adaptor related protein complex 3 subunit delta 1; minus strand). Cytogenetic location: 19p13.3.
Variant type: single nucleotide variant.
Coding change: c.3472G>C on transcript NM_001261826.3 (MANE Select); coding-DNA position 3472, G replaced by C.
Protein change: p.Val1158Leu; replaces valine 1158 with leucine.
Molecular consequence: missense variant.
Genome position (GRCh38, 1-based): chr19:2,109,086, C>G on the plus strand (G>C on the coding strand, the complement: AP3D1 is on the minus strand). VCF-style: chr19-2109086-C-G. GRCh37 (hg19) VCF-style: chr19-2109085-C-G.
Other names: c.3436G>C, p.Val1146Leu (NM_001374799.1); c.3286G>C, p.Val1096Leu (NM_003938.8); short protein forms V1146L, V1158L, V1096L.
Identifiers: ClinVar variation 1951454 (VCV001951454.5), dbSNP rs762878489, ClinGen allele CA9058384.
Genomic context (GRCh38, chr19:2,109,086, plus strand): 5'-GGGACAGCTGCCGCGTGCGTGAAAGCCCCGTGCAATCCATCAGCCCCTCACTCTCCTTAC[C>G]GGAAAAATGGTGGTGAAAACAGATCTTCGCCAGAAGATTCTGGAAGGACATCCGAATGCC-3'
Protein context (NP_001248755.1, residues 1148-1168): AKICFHHHFS[Val1158Leu]VERVDSCASM

ClinVar aggregate classification (germline): Uncertain significance (1 of 4 stars; one submission).

Submission:

Labcorp Genetics (formerly Invitae), Labcorp
Classification: Uncertain significance. Last evaluated: 2021-12-30. Review status: criteria provided, single submitter. Criteria: Invitae Variant Classification Sherloc (09022015). Collection method: clinical testing. Allele origin: germline.
Comment: Variants that disrupt the consensus splice site are a relatively common cause of aberrant splicing (PMID: 17576681, 9536098). Algorithms developed to predict the effect of sequence changes on RNA splicing suggest that this variant may disrupt the consensus splice site. In summary, the available evidence is currently insufficient to determine the role of this variant in disease. Therefore, it has been classified as a Variant of Uncertain Significance. Algorithms developed to predict the effect of missense changes on protein structure and function (SIFT, PolyPhen-2, Align-GVGD) all suggest that this variant is likely to be tolerated. This variant has not been reported in the literature in individuals affected with AP3D1-related conditions. This variant is present in population databases (rs762878489, gnomAD 0.003%). This sequence change replaces valine, which is neutral and non-polar, with leucine, which is neutral and non-polar, at codon 1158 of the AP3D1 protein (p.Val1158Leu). This variant also falls at the last nucleotide of exon 30, which is part of the consensus splice site for this exon.

Literature cited by the submitters: PubMed 17576681; PubMed 9536098.